The following is an entry in ClinVar:

ClinVar aggregate classification (germline): Uncertain significance. Review status: criteria provided, multiple submitters, no conflicts (2 of 4 stars). 4 submissions from 4 submitters: Uncertain significance (4). Last evaluated 2025-06-26.

Conditions:
Inborn genetic diseases. Identifiers: MedGen C0950123, MeSH D030342.
Hypotonia, infantile, with psychomotor retardation and characteristic facies 2 (IHPRF2). Also called: UNC80 Deficiency. Identifiers: Orphanet 371364, Orphanet 700333, MedGen C4225203, MONDO:0014777, OMIM 616801.

gnomAD v4.1: 14 of 1,551,958 alleles (0.0009%); highest among the groups gnomAD compares: Admixed American, 0.025%; no homozygotes.

Submissions (4):

GeneDx
Classification: Uncertain significance. Last evaluated: 2025-06-26. Review status: criteria provided, single submitter. Criteria: GeneDx Variant Classification Process June 2021. Collection method: clinical testing. Allele origin: germline.
Comment: In silico analysis suggests that this missense variant does not alter protein structure/function; Has not been previously published as pathogenic or benign to our knowledge

Revvity Omics, Revvity
Classification: Uncertain significance for Hypotonia, infantile, with psychomotor retardation and characteristic facies 2. Last evaluated: 2025-03-21. Review status: criteria provided, single submitter. Criteria: ACMG Guidelines, 2015. Collection method: clinical testing. Allele origin: germline.

Ambry Genetics
Classification: Uncertain significance for Inborn genetic diseases. Last evaluated: 2024-09-09. Review status: criteria provided, single submitter. Criteria: Ambry Variant Classification Scheme 2023. Collection method: clinical testing. Allele origin: germline.

Labcorp Genetics (formerly Invitae), Labcorp
Classification: Uncertain significance. Last evaluated: 2022-03-13. Review status: criteria provided, single submitter. Criteria: Invitae Variant Classification Sherloc (09022015). Collection method: clinical testing. Allele origin: germline.
Comment: This sequence change replaces valine, which is neutral and non-polar, with phenylalanine, which is neutral and non-polar, at codon 1477 of the UNC80 protein (p.Val1477Phe). This variant is present in population databases (no rsID available, gnomAD 0.04%). This variant has not been reported in the literature in individuals affected with UNC80-related conditions. Algorithms developed to predict the effect of missense changes on protein structure and function are either unavailable or do not agree on the potential impact of this missense change (SIFT: "Not Available"; PolyPhen-2: "Benign"; Align-GVGD: "Not Available"). In summary, the available evidence is currently insufficient to determine the role of this variant in disease. Therefore, it has been classified as a Variant of Uncertain Significance.

NM_001371986.1(UNC80):c.4627G>T (p.Val1543Phe)

Gene: UNC80 (unc-80 subunit of NALCN channel complex; plus strand). Cytogenetic location: 2q34.
Variant type: single nucleotide variant.
Coding change: c.4627G>T on transcript NM_001371986.1 (MANE Select); coding-DNA position 4627, G replaced by T.
Protein change: p.Val1543Phe; replaces valine 1543 with phenylalanine.
Molecular consequence: missense variant.
Genome position (GRCh38, 1-based): chr2:209,904,810, G>T. VCF-style: chr2-209904810-G-T. GRCh37 (hg19) VCF-style: chr2-210769534-G-T.
Other names: c.4429G>T, p.Val1477Phe (NM_032504.2); c.4414G>T, p.Val1472Phe (NM_182587.4); c.4429G>T (NM_032504.1); short protein forms V1477F, V1472F, V1543F.
Identifiers: ClinVar variation 1358568 (VCV001358568.7), dbSNP rs994979037, ClinGen allele CA65038837.